The following is an entry in ClinVar:

ClinVar aggregate classification (germline): Pathogenic (1 of 4 stars; one submission).

Submission:

ISCA site 15
Classification: Pathogenic. Last evaluated: 2011-08-12. Review status: criteria provided, single submitter. Criteria: Kaminsky et al. (Genet Med. 2011). Collection method: clinical testing. Allele origin: unknown. Affected: yes. Observed: 1 variant allele.
Comment: Copy number variation identified through the course of routine clinical cytogenomic testing in postnatal populations. Clinical assertions have been curated as described in Kaminsky et al. 2011.

GRCh38/hg38 17p11.2(chr17:16919369-20289856)x3

Genes: AKAP10 (A-kinase anchoring protein 10; minus strand), ALDH3A1 (aldehyde dehydrogenase 3 family member A1; minus strand), ALDH3A2 (aldehyde dehydrogenase 3 family member A2; plus strand), ALKBH5 (alkB homolog 5, RNA demethylase; plus strand), ATPAF2 (ATP synthase mitochondrial F1 complex assembly factor 2; minus strand) and 238 more. Cytogenetic location: 17p11.2.
Variant type: copy number gain.
Change: copy number 3 (three copies instead of two) of chr17:16,919,369-20,289,856 (3.37 Mb, GRCh38 coordinates, 1-based), cytogenetic band 17p11.2.
Identifiers: ClinVar variation 58134 (VCV000058134.1).